The following is an entry in ClinVar:

NM_001003841.3(SLC6A19):c.619G>A (p.Val207Ile)

Gene: SLC6A19 (solute carrier family 6 member 19; plus strand). Cytogenetic location: 5p15.33.
Variant type: single nucleotide variant.
Coding change: c.619G>A on transcript NM_001003841.3 (MANE Select); coding-DNA position 619, G replaced by A.
Protein change: p.Val207Ile; replaces valine 207 with isoleucine.
Molecular consequence: missense variant.
Genome position (GRCh38, 1-based): chr5:1,212,440, G>A. VCF-style: chr5-1212440-G-A. GRCh37 (hg19) VCF-style: chr5-1212555-G-A.
Other names: short protein forms V207I.
Identifiers: ClinVar variation 1495557 (VCV001495557.7), dbSNP rs770276029, ClinGen allele CA3182786.

ClinVar aggregate classification (germline): Uncertain significance. Review status: criteria provided, multiple submitters, no conflicts (2 of 4 stars). 2 submissions from 2 submitters: Uncertain significance (2). Last evaluated 2024-10-29.

Conditions:
Neutral 1 amino acid transport defect (HND). Also called: Hartnup disease; HARTNUP DISORDER. Identifiers: Orphanet 2116, MedGen C0018609, MONDO:0009324, OMIM 234500.

Allele frequency attached by ClinVar (database versions not stated): TOPMed below 0.00001; gnomAD 0.00001; ExAC 0.00002; gnomAD exomes 0.00002.

Submissions (2):

Labcorp Genetics (formerly Invitae), Labcorp
Classification: Uncertain significance. Last evaluated: 2024-10-29. Review status: criteria provided, single submitter. Criteria: Invitae Variant Classification Sherloc (09022015). Collection method: clinical testing. Allele origin: germline.
Comment: This sequence change replaces valine, which is neutral and non-polar, with isoleucine, which is neutral and non-polar, at codon 207 of the SLC6A19 protein (p.Val207Ile). This variant is present in population databases (rs770276029, gnomAD 0.01%). This variant has not been reported in the literature in individuals affected with SLC6A19-related conditions. ClinVar contains an entry for this variant (Variation ID: 1495557). Invitae Evidence Modeling of protein sequence and biophysical properties (such as structural, functional, and spatial information, amino acid conservation, physicochemical variation, residue mobility, and thermodynamic stability) indicates that this missense variant is not expected to disrupt SLC6A19 protein function with a negative predictive value of 95%. In summary, the available evidence is currently insufficient to determine the role of this variant in disease. Therefore, it has been classified as a Variant of Uncertain Significance.

Fulgent Genetics
Classification: Uncertain significance for Neutral 1 amino acid transport defect. Last evaluated: 2024-05-11. Review status: criteria provided, single submitter. Criteria: ACMG Guidelines, 2015. Collection method: clinical testing. Allele origin: germline.